The following is an entry in ClinVar:

NM_000540.3(RYR1):c.8541+34C>T

Genes: RYR1 (ryanodine receptor 1; plus strand), LOC126862902 (BRD4-independent group 4 enhancer GRCh37_chr19:38995830-38997029; plus strand). Cytogenetic location: 19q13.2.
Variant type: single nucleotide variant.
Coding change: c.8541+34C>T on transcript NM_000540.3 (MANE Select); 34 bases into the intron after coding-DNA position 8541, C replaced by T.
Molecular consequence: intron variant.
Genome position (GRCh38, 1-based): chr19:38,505,980, C>T. VCF-style: chr19-38505980-C-T. GRCh37 (hg19) VCF-style: chr19-38996620-C-T.
Other names: c.8541+34C>T (NM_001042723.2).
Identifiers: ClinVar variation 133227 (VCV000133227.6), dbSNP rs2960342, ClinGen allele CA024927.

ClinVar aggregate classification (germline): Benign. Review status: criteria provided, multiple submitters, no conflicts (2 of 4 stars). 7 submissions from 5 submitters: Benign (6). 1 of the submissions does not count toward it. Last evaluated 2021-11-07.

Conditions:
Congenital multicore myopathy with external ophthalmoplegia (CMYO1B). Also called: Minicore myopathy with external ophthalmoplegia; MULTIMINICORE DISEASE WITH EXTERNAL OPHTHALMOPLEGIA; Congenital myopathy 1B, autosomal recessive; Minicore myopathy; MULTICORE MYOPATHY. Identifiers: Orphanet 598, Orphanet 98905, MedGen C1850674, MONDO:0009712, OMIM 255320, HP:0003789.
King Denborough syndrome (KDS). Identifiers: MedGen C1840365, MONDO:0020485, OMIM 619542.
Central core myopathy (CMYO1A). Also called: CONGENITAL MYOPATHY 1A, AUTOSOMAL DOMINANT, WITH SUSCEPTIBILITY TO MALIGNANT HYPERTHERMIA; Central core disease; Myopathy, central fibrillar. Identifiers: Orphanet 597, MedGen C5830701, MONDO:0007294, OMIM 117000.

Allele frequency attached by ClinVar (database versions not stated): gnomAD exomes 0.26438 and 0.31871; ESP Exome Variant Server 0.28852; gnomAD 0.31072; ExAC 0.31855; TOPMed 0.33234; 1000 Genomes Project 30x 0.40147; 1000 Genomes Project 0.40595.
gnomAD v4.1: 420,893 of 1,552,680 alleles (27%); highest among the groups gnomAD compares: South Asian, 44%; 65,255 homozygotes.

Submissions (7):

Genome-Nilou Lab
Classification: Benign for Central core myopathy. Last evaluated: 2021-11-07. Review status: criteria provided, single submitter. Criteria: ACMG Guidelines, 2015. Collection method: clinical testing. Allele origin: germline. Affected: no.

Genome-Nilou Lab
Classification: Benign for King Denborough syndrome. Last evaluated: 2021-11-07. Review status: criteria provided, single submitter. Criteria: ACMG Guidelines, 2015. Collection method: clinical testing. Allele origin: germline. Affected: no.

Genome-Nilou Lab
Classification: Benign for Congenital multicore myopathy with external ophthalmoplegia. Last evaluated: 2021-11-07. Review status: criteria provided, single submitter. Criteria: ACMG Guidelines, 2015. Collection method: clinical testing. Allele origin: germline. Affected: no.

GeneDx
Classification: Benign. Last evaluated: 2018-06-14. Review status: criteria provided, single submitter. Criteria: GeneDx Variant Classification (06012015). Collection method: clinical testing. Allele origin: germline. Affected: yes.
Comment: This variant is considered likely benign or benign based on one or more of the following criteria: it is a conservative change, it occurs at a poorly conserved position in the protein, it is predicted to be benign by multiple in silico algorithms, and/or has population frequency not consistent with disease.

PreventionGenetics, part of Exact Sciences
Classification: Benign. Last evaluated: 2013-10-25. Review status: criteria provided, single submitter. Criteria: ACMG Guidelines, 2015. Collection method: clinical testing. Allele origin: germline.

Breakthrough Genomics
Classification: Benign. Review status: criteria provided, single submitter. Criteria: ACMG Guidelines, 2015. Collection method: not provided. Allele origin: germline. Inheritance: Autosomal recessive inheritance. Affected: yes.

RYR1 database
No classification provided. Review status: no classification provided. Collection method: not provided. Allele origin: unknown. Not counted in ClinVar's aggregate classification.